The following is an entry in ClinVar:

ClinVar aggregate classification (germline): Uncertain significance (1 of 4 stars; one submission).

Submission:

Labcorp Genetics (formerly Invitae), Labcorp
Classification: Uncertain significance. Last evaluated: 2024-09-22. Review status: criteria provided, single submitter. Criteria: Invitae Variant Classification Sherloc (09022015). Collection method: clinical testing. Allele origin: germline.
Comment: This sequence change replaces valine, which is neutral and non-polar, with leucine, which is neutral and non-polar, at codon 629 of the CACNA2D4 protein (p.Val629Leu). This variant is not present in population databases (gnomAD no frequency). This variant has not been reported in the literature in individuals affected with CACNA2D4-related conditions. An algorithm developed to predict the effect of missense changes on protein structure and function (PolyPhen-2) suggests that this variant is likely to be tolerated. In summary, the available evidence is currently insufficient to determine the role of this variant in disease. Therefore, it has been classified as a Variant of Uncertain Significance.

NM_172364.5(CACNA2D4):c.1885G>C (p.Val629Leu)

Gene: CACNA2D4 (calcium voltage-gated channel auxiliary subunit alpha2delta 4; minus strand). Cytogenetic location: 12p13.33.
Variant type: single nucleotide variant.
Coding change: c.1885G>C on transcript NM_172364.5 (MANE Select); coding-DNA position 1885, G replaced by C.
Protein change: p.Val629Leu; replaces valine 629 with leucine.
Molecular consequence: missense variant.
Genome position (GRCh38, 1-based): chr12:1,860,200, C>G on the plus strand (G>C on the coding strand, the complement: CACNA2D4 is on the minus strand). VCF-style: chr12-1860200-C-G. GRCh37 (hg19) VCF-style: chr12-1969366-C-G.
Other names: short protein forms V629L.
Identifiers: ClinVar variation 3612858 (VCV003612858.2).
Genomic context (GRCh38, chr12:1,860,200, plus strand): 5'-CTCACCTGAAAGGGGTGTCGCTGATGTCCGTGAAGAAGTAGTCATTGGTCAGGAAAAGAA[C>G]TCGCTTCTGAAAGAGTAGACAAGGAAAGAGTGCTCACGCAGAGAAGAGCGGCCCCCAGCC-3'
Protein context (NP_758952.4, residues 619-639): VKVPMDKGKR[Val629Leu]LFLTNDYFFT